The following is an entry in ClinVar:

ClinVar aggregate classification (germline): Uncertain significance. Review status: criteria provided, multiple submitters, no conflicts (2 of 4 stars). 3 submissions from 3 submitters: Uncertain significance (3). Last evaluated 2025-05-16.

Conditions:
LOXHD1-related disorder. Also called: LOXHD1-related condition.
Inborn genetic diseases. Identifiers: MedGen C0950123, MeSH D030342.

Allele frequency attached by ClinVar (database versions not stated): ExAC 0.00005; TOPMed 0.00014; gnomAD 0.00020.
gnomAD v4.1: 97 of 1,520,006 alleles (0.0064%); highest among the groups gnomAD compares: Admixed American, 0.046%; no homozygotes.

Submissions (3):

Ambry Genetics
Classification: Uncertain significance for Inborn genetic diseases. Last evaluated: 2025-05-16. Review status: criteria provided, single submitter. Criteria: Ambry Variant Classification Scheme 2023. Collection method: clinical testing. Allele origin: germline.

PreventionGenetics, part of Exact Sciences
Classification: Uncertain significance for LOXHD1-related condition. Last evaluated: 2025-05-07. Review status: criteria provided, single submitter. Criteria: ACMG Guidelines, 2015. Collection method: clinical testing. Allele origin: germline.
Comment: The LOXHD1 c.2986C>T variant is predicted to result in the amino acid substitution p.Arg996Cys. To our knowledge, this variant has not been reported in the literature. This variant is reported in 0.047% of alleles in individuals of Latino descent in gnomAD. At this time, the clinical significance of this variant is uncertain due to the absence of conclusive functional and genetic evidence.

Labcorp Genetics (formerly Invitae), Labcorp
Classification: Uncertain significance. Last evaluated: 2024-07-20. Review status: criteria provided, single submitter. Criteria: Invitae Variant Classification Sherloc (09022015). Collection method: clinical testing. Allele origin: germline.
Comment: This sequence change replaces arginine, which is basic and polar, with cysteine, which is neutral and slightly polar, at codon 996 of the LOXHD1 protein (p.Arg996Cys). This variant is present in population databases (rs746833881, gnomAD 0.05%). This variant has not been reported in the literature in individuals affected with LOXHD1-related conditions. ClinVar contains an entry for this variant (Variation ID: 2181957). An algorithm developed to predict the effect of missense changes on protein structure and function (PolyPhen-2) suggests that this variant is likely to be disruptive. In summary, the available evidence is currently insufficient to determine the role of this variant in disease. Therefore, it has been classified as a Variant of Uncertain Significance.

NM_001384474.1(LOXHD1):c.2986C>T (p.Arg996Cys)

Gene: LOXHD1 (lipoxygenase homology PLAT domains 1; minus strand). Cytogenetic location: 18q21.1.
Variant type: single nucleotide variant.
Coding change: c.2986C>T on transcript NM_001384474.1 (MANE Select); coding-DNA position 2986, C replaced by T.
Protein change: p.Arg996Cys; replaces arginine 996 with cysteine.
Molecular consequence: missense variant.
Genome position (GRCh38, 1-based): chr18:46,560,158, G>A on the plus strand (C>T on the coding strand, the complement: LOXHD1 is on the minus strand). VCF-style: chr18-46560158-G-A. GRCh37 (hg19) VCF-style: chr18-44140121-G-A.
Other names: c.2986C>T (NM_144612.6); c.2986C>T, p.Arg996Cys (NM_144612.7); short protein forms R996C.
Identifiers: ClinVar variation 2181957 (VCV002181957.7), dbSNP rs746833881, ClinGen allele CA8952589.
Genomic context (GRCh38, chr18:46,560,158, plus strand): 5'-TGCCAGCTGGCACCAACTCCACGACAAGTTCGTTGTCCTCCTTGCCCCGGGCCAGCCAGC[G>A]GTGGGCTTCGAACTTGTGCTGCTCAATCACCTCCTGCATCCCCGGCCCAAACTCCTCCTC-3'
Protein context (NP_001371403.1, residues 986-1006): VIEQHKFEAH[Arg996Cys]WLARGKEDNE